The following is an entry in ClinVar:

ClinVar aggregate classification (germline): Uncertain significance. Review status: criteria provided, multiple submitters, no conflicts (2 of 4 stars). 2 submissions from 2 submitters: Uncertain significance (2). Last evaluated 2025-07-13.

Conditions:
Hereditary cancer-predisposing syndrome. Also called: Neoplastic Syndromes, Hereditary; Hereditary Cancer Syndrome; Tumor predisposition; Hereditary neoplastic syndrome. Identifiers: Orphanet 140162, MedGen C0027672, MeSH D009386, MONDO:0015356.
Oligodontia-cancer predisposition syndrome. Also called: TOOTH AGENESIS-COLORECTAL CANCER SYNDROME. Identifiers: Orphanet 300576, MedGen C1837750, MONDO:0012075, OMIM 608615. Disease mechanism: loss of function.

Allele frequency attached by ClinVar (database versions not stated): gnomAD exomes below 0.00001.
gnomAD v4.1: 1 of 1,614,096 alleles (0.000062%); highest among the groups gnomAD compares: Non-Finnish European, 0.000085%; no homozygotes.

Submissions (2):

Labcorp Genetics (formerly Invitae), Labcorp
Classification: Uncertain significance for Oligodontia-cancer predisposition syndrome. Last evaluated: 2025-07-13. Review status: criteria provided, single submitter. Criteria: Invitae Variant Classification Sherloc (09022015). Collection method: clinical testing. Allele origin: germline.
Comment: This sequence change replaces valine, which is neutral and non-polar, with isoleucine, which is neutral and non-polar, at codon 130 of the AXIN2 protein (p.Val130Ile). This variant is not present in population databases (gnomAD no frequency). This variant has not been reported in the literature in individuals affected with AXIN2-related conditions. ClinVar contains an entry for this variant (Variation ID: 1376857). Invitae Evidence Modeling of protein sequence and biophysical properties (such as structural, functional, and spatial information, amino acid conservation, physicochemical variation, residue mobility, and thermodynamic stability) has been performed for this missense variant. However, the output from this modeling did not meet the statistical confidence thresholds required to predict the impact of this variant on AXIN2 protein function. In summary, the available evidence is currently insufficient to determine the role of this variant in disease. Therefore, it has been classified as a Variant of Uncertain Significance.

Ambry Genetics
Classification: Uncertain significance for Hereditary cancer-predisposing syndrome. Last evaluated: 2024-10-14. Review status: criteria provided, single submitter. Criteria: Ambry Variant Classification Scheme 2023. Collection method: clinical testing. Allele origin: germline.
Comment: The p.V130I variant (also known as c.388G>A), located in coding exon 1 of the AXIN2 gene, results from a G to A substitution at nucleotide position 388. The valine at codon 130 is replaced by isoleucine, an amino acid with highly similar properties. This amino acid position is conserved. In addition, this alteration is predicted to be tolerated by in silico analysis. Based on the available evidence, the clinical significance of this variant remains unclear.

NM_004655.4(AXIN2):c.388G>A (p.Val130Ile)

Gene: AXIN2 (axin 2; minus strand). Cytogenetic location: 17q24.1.
Variant type: single nucleotide variant.
Coding change: c.388G>A on transcript NM_004655.4 (MANE Select); coding-DNA position 388, G replaced by A.
Protein change: p.Val130Ile; replaces valine 130 with isoleucine.
Molecular consequence: missense variant.
Genome position (GRCh38, 1-based): chr17:65,558,233, C>T on the plus strand (G>A on the coding strand, the complement: AXIN2 is on the minus strand). VCF-style: chr17-65558233-C-T. GRCh37 (hg19) VCF-style: chr17-63554351-C-T.
Other names: c.388G>A (NM_004655.3); c.388G>A, p.Val130Ile (NM_001363813.1); short protein forms V130I.
Identifiers: ClinVar variation 1376857 (VCV001376857.9), dbSNP rs2044302884, ClinGen allele CA400681502.